The following is an entry in ClinVar:

NM_182931.3(KMT2E):c.4220A>G (p.Asn1407Ser)

Gene: KMT2E (lysine methyltransferase 2E (inactive); plus strand). Cytogenetic location: 7q22.3.
Variant type: single nucleotide variant.
Coding change: c.4220A>G on transcript NM_182931.3 (MANE Select); coding-DNA position 4220, A replaced by G.
Protein change: p.Asn1407Ser; replaces asparagine 1407 with serine.
Molecular consequence: missense variant.
Genome position (GRCh38, 1-based): chr7:105,111,976, A>G. VCF-style: chr7-105111976-A-G. GRCh37 (hg19) VCF-style: chr7-104752423-A-G.
Other names: c.4220A>G (NM_182931.2); c.4220A>G, p.Asn1407Ser (NM_018682.4); short protein forms N1407S.
Identifiers: ClinVar variation 1576685 (VCV001576685.35), dbSNP rs77885224, ClinGen allele CA4424705.

ClinVar aggregate classification (germline): Likely benign. Review status: criteria provided, multiple submitters, no conflicts (2 of 4 stars). 5 submissions from 5 submitters: Likely benign (4). 1 of the submissions does not count toward it. Last evaluated 2026-02-01.

Conditions:
KMT2E-related disorder. Also called: KMT2E-related condition.

Allele frequency attached by ClinVar (database versions not stated): gnomAD exomes 0.00154 and 0.00198; 1000 Genomes Project 30x 0.00156; 1000 Genomes Project 0.00160; gnomAD 0.00161 and 0.00164; ExAC 0.00164; TOPMed 0.00165; ESP Exome Variant Server 0.00185.
gnomAD v4.1: 3,127 of 1,614,100 alleles (0.19%); highest among the groups gnomAD compares: Non-Finnish European, 0.23%; 4 homozygotes.

Submissions (5):

CeGaT Center for Human Genetics Tuebingen
Classification: Likely benign. Last evaluated: 2026-02-01. Review status: criteria provided, single submitter. Criteria: CeGaT Center For Human Genetics Tuebingen Variant Classification Criteria Version 2. Collection method: clinical testing. Allele origin: germline. Affected: yes. Observed: 8 variant alleles.
Comment: KMT2E: BP4, BS1

Labcorp Genetics (formerly Invitae), Labcorp
Classification: Likely benign. Last evaluated: 2026-01-26. Review status: criteria provided, single submitter. Criteria: Invitae Variant Classification Sherloc (09022015). Collection method: clinical testing. Allele origin: germline.

Blueprint Genetics
Classification: Likely benign. Last evaluated: 2024-11-14. Review status: criteria provided, single submitter. Criteria: ACMG Guidelines, 2015. Collection method: clinical testing. Allele origin: germline.

Breakthrough Genomics
Classification: Likely benign. Review status: criteria provided, single submitter. Criteria: ACMG Guidelines, 2015. Collection method: not provided. Allele origin: germline. Inheritance: Autosomal dominant inheritance. Affected: yes.

PreventionGenetics, part of Exact Sciences
Classification: Likely benign for KMT2E-related condition. Last evaluated: 2021-02-05. Review status: no assertion criteria provided. Collection method: clinical testing. Allele origin: germline. Not counted in ClinVar's aggregate classification.
Comment: This variant is classified as likely benign based on ACMG/AMP sequence variant interpretation guidelines (Richards et al. 2015 PMID: 25741868, with internal and published modifications).